The following is an entry in ClinVar:

ClinVar aggregate classification (germline): Conflicting classifications of pathogenicity. Review status: criteria provided, conflicting classifications (1 of 4 stars). 4 submissions from 4 submitters: Uncertain significance (3); Benign (1). Last evaluated 2026-04-01.

Conditions:
Ataxia-telangiectasia syndrome (AT). Also called: LOUIS-BAR SYNDROME; Cerebello-oculocutaneous telangiectasia; Immunodeficiency with ataxia telangiectasia; Ataxia-telangiectasia, complementation group E; Ataxia-telangiectasia, complementation group D; AT, COMPLEMENTATION GROUP C. Identifiers: Orphanet 100, MedGen C0004135, MONDO:0008840, OMIM 208900.
Familial cancer of breast. Also called: BREAST CANCER, FAMILIAL; Hereditary breast cancer; hereditary breast carcinoma. Identifiers: Orphanet 227535, MedGen C0346153, MONDO:0016419, OMIM 114480. Disease mechanism: loss of function.
Hereditary cancer-predisposing syndrome. Also called: Hereditary Cancer Syndrome; Hereditary neoplastic syndrome; Neoplastic Syndromes, Hereditary; Tumor predisposition. Identifiers: Orphanet 140162, MedGen C0027672, MeSH D009386, MONDO:0015356.

Submissions (4):

CeGaT Center for Human Genetics Tuebingen
Classification: Uncertain significance. Last evaluated: 2026-04-01. Review status: criteria provided, single submitter. Criteria: CeGaT Center For Human Genetics Tuebingen Variant Classification Criteria Version 2. Collection method: clinical testing. Allele origin: germline. Affected: yes. Observed: 1 variant allele.
Comment: ATM: PM2:Supporting, PP3

Labcorp Genetics (formerly Invitae), Labcorp
Classification: Uncertain significance for Ataxia-telangiectasia syndrome. Last evaluated: 2024-08-06. Review status: criteria provided, single submitter. Criteria: Invitae Variant Classification Sherloc (09022015). Collection method: clinical testing. Allele origin: germline.
Comment: This sequence change affects codon 3051 of the ATM mRNA. It is a 'silent' change, meaning that it does not change the encoded amino acid sequence of the ATM protein. This variant is not present in population databases (gnomAD no frequency). This variant has not been reported in the literature in individuals affected with ATM-related conditions. ClinVar contains an entry for this variant (Variation ID: 2587792). Algorithms developed to predict the effect of sequence changes on RNA splicing suggest that this variant may create or strengthen a splice site. In summary, the available evidence is currently insufficient to determine the role of this variant in disease. Therefore, it has been classified as a Variant of Uncertain Significance.

Myriad Genetics, Inc.
Classification: Benign for Familial cancer of breast. Last evaluated: 2024-06-25. Review status: criteria provided, single submitter. Criteria: Myriad Autosomal Dominant, Autosomal Recessive and X-Linked Classification Criteria (2023). Collection method: clinical testing. Allele origin: unknown.
Comment: This variant is considered benign. This variant is a silent/synonymous amino acid change and it is not expected to impact splicing.

Ambry Genetics
Classification: Uncertain significance for Hereditary cancer-predisposing syndrome. Last evaluated: 2023-08-07. Review status: criteria provided, single submitter. Criteria: Ambry Variant Classification Scheme 2023. Collection method: clinical testing. Allele origin: germline.
Comment: The c.9153A>T variant (also known as p.G3051G), located in coding exon 62 of the ATM gene, results from an A to T substitution at nucleotide position 9153. This nucleotide substitution does not change the glycine at codon 3051. This nucleotide position is not well conserved in available vertebrate species. In silico splice site analysis predicts that this alteration will result in the creation or strengthening of a novel splice donor site. Since supporting evidence is limited at this time, the clinical significance of this alteration remains unclear.

NM_000051.4(ATM):c.9153A>T (p.Gly3051=)

Genes: ATM (ATM serine/threonine kinase; plus strand), C11orf65 (chromosome 11 open reading frame 65; minus strand). Cytogenetic location: 11q22.3.
Variant type: single nucleotide variant.
Coding change: c.9153A>T on transcript NM_000051.4 (MANE Select); coding-DNA position 9153, A replaced by T.
Protein change: p.Gly3051=; no amino-acid change (glycine 3051 retained).
Molecular consequence: synonymous variant. On other transcripts: intron variant (2).
Genome position (GRCh38, 1-based): chr11:108,365,490, A>T. VCF-style: chr11-108365490-A-T. GRCh37 (hg19) VCF-style: chr11-108236217-A-T.
Other names: c.9153A>T, p.Gly3051= (NM_001351834.2); c.640+20430T>A (NM_001330368.2); c.694+20430T>A (NM_001351110.2).
Identifiers: ClinVar variation 2587792 (VCV002587792.7), dbSNP rs1555152080, ClinGen allele CA476745318.